The following is an entry in ClinVar:

NM_181523.3(PIK3R1):c.1713_1718del (p.Ile571_Leu573delinsMet)

Gene: PIK3R1 (phosphoinositide-3-kinase regulatory subunit 1; plus strand). Cytogenetic location: 5q13.1.
Variant type: Deletion.
Coding change: c.1713_1718del on transcript NM_181523.3 (MANE Select); coding-DNA positions 1713 to 1718, 6 bases deleted (CCAGCT; older notation c.1713_1718delCCAGCT).
Protein change: p.Ile571_Leu573delinsMet.
Molecular consequence: inframe indel.
Genome position (GRCh38, 1-based): chr5:68,295,292-68,295,297, CCAGCT deleted; deleting any 6 consecutive bases within chr5:68,295,291-68,295,297 gives the same sequence; the c. name uses the placement nearest the transcript's 3' end. VCF-style (leftmost placement, unchanged base first): chr5-68295290-ATCCAGC-A. GRCh37 (hg19) VCF-style: chr5-67591118-ATCCAGC-A.
Other names: c.624_629del, p.Ile208_Leu210delinsMet (NM_001242466.2); c.903_908del, p.Ile301_Leu303delinsMet (NM_181504.4); c.813_818del, p.Ile271_Leu273delinsMet (NM_181524.2).
Identifiers: ClinVar variation 4530378 (VCV004530378.1).

ClinVar aggregate classification (somatic clinical impact): Tier I - Strong (1 of 4 stars; one submission).

Conditions:
Diffuse midline glioma, H3 K27M-mutant. Identifiers: MedGen C4289688, MONDO:0957196.

Submission:

Institute for Genomic Medicine (IGM) Clinical Laboratory, Nationwide Children's Hospital
Classification: Tier I - Strong for Diffuse midline glioma, H3 K27M-mutant. Assertion type: diagnostic. Clinical significance: supports diagnosis. Last evaluated: 2023-06-09. Review status: criteria provided, single submitter. Criteria: AMP/ASCO/CAP Guidelines, 2017. Collection method: clinical testing. Allele origin: somatic. Affected: yes.
Comment: Variant has Tier I (strong) clinical significance as a diagnostic inclusion criterion in diffuse midline glioma, H3 K27M-mutant, based on the following evidence: 1) Documented in one or more cancer databases (e.g., St. Jude Pecan, COSMIC, CIViC, OncoKB). 2) Appears in one or more well-established professional guidelines (e.g., World Health Organization [WHO]; National Comprehensive Cancer Network [NCCN]) as providing diagnostic, prognostic, or therapeutic information. 3) Diagnostic for a specific tumor type/classification based on well-powered studies with expert-level consensus (Evidence Level B; PMIDs: 27048880, 28966033, 29967352, 31348837, 32555164, 32680567).

Literature cited by the submitters: PubMed 27048880; PubMed 28966033; PubMed 29967352; PubMed 31348837; PubMed 32555164; PubMed 32680567.